The following is an entry in ClinVar:

NM_015202.5(KATNIP):c.1053C>T (p.Asn351=)

Gene: KATNIP (katanin interacting protein; plus strand). Cytogenetic location: 16p12.1.
Variant type: single nucleotide variant.
Coding change: c.1053C>T on transcript NM_015202.5 (MANE Select); coding-DNA position 1053, C replaced by T.
Protein change: p.Asn351=; no amino-acid change (asparagine 351 retained).
Molecular consequence: synonymous variant.
Genome position (GRCh38, 1-based): chr16:27,698,440, C>T. VCF-style: chr16-27698440-C-T. GRCh37 (hg19) VCF-style: chr16-27709761-C-T.
Identifiers: ClinVar variation 3067454 (VCV003067454.23), dbSNP rs772125845, ClinGen allele CA7977551.

ClinVar aggregate classification (germline): Likely benign. Review status: criteria provided, multiple submitters, no conflicts (2 of 4 stars). 3 submissions from 3 submitters: Likely benign (3). Last evaluated 2025-09-24.

Allele frequency attached by ClinVar (database versions not stated): gnomAD 0.00004; TOPMed 0.00005; ExAC 0.00007.
gnomAD v4.1: 43 of 1,613,404 alleles (0.0027%); highest among the groups gnomAD compares: East Asian, 0.011%; no homozygotes.

Submissions (3):

Labcorp Genetics (formerly Invitae), Labcorp
Classification: Likely benign. Last evaluated: 2025-09-24. Review status: criteria provided, single submitter. Criteria: Invitae Variant Classification Sherloc (09022015). Collection method: clinical testing. Allele origin: germline.

CeGaT Center for Human Genetics Tuebingen
Classification: Likely benign. Last evaluated: 2024-03-01. Review status: criteria provided, single submitter. Criteria: CeGaT Center For Human Genetics Tuebingen Variant Classification Criteria Version 2. Collection method: clinical testing. Allele origin: germline. Affected: yes. Observed: 1 variant allele.
Comment: KATNIP: BP4, BP7

Blueprint Genetics
Classification: Likely benign. Last evaluated: 2021-06-24. Review status: criteria provided, single submitter. Criteria: ACMG Guidelines, 2015. Collection method: clinical testing. Allele origin: germline.